The following is an entry in ClinVar:

NM_004370.6(COL12A1):c.2528A>T (p.Gln843Leu)

Gene: COL12A1 (collagen type XII alpha 1 chain; minus strand). Cytogenetic location: 6q13.
Variant type: single nucleotide variant.
Coding change: c.2528A>T on transcript NM_004370.6 (MANE Select); coding-DNA position 2528, A replaced by T.
Protein change: p.Gln843Leu; replaces glutamine 843 with leucine.
Molecular consequence: missense variant. On other transcripts: intron variant (1).
Genome position (GRCh38, 1-based): chr6:75,175,220, T>A on the plus strand (A>T on the coding strand, the complement: COL12A1 is on the minus strand). VCF-style: chr6-75175220-T-A. GRCh37 (hg19) VCF-style: chr6-75884936-T-A.
Other names: c.74-22738A>T (NM_080645.3); short protein forms Q843L.
Identifiers: ClinVar variation 1514777 (VCV001514777.6), dbSNP rs2149452186, ClinGen allele CA364762286.

ClinVar aggregate classification (germline): Uncertain significance (1 of 4 stars; one submission).

Conditions:
Ullrich congenital muscular dystrophy 2 (UCMD2). Identifiers: Orphanet 75840, MedGen C4225314, MONDO:0014654, OMIM 616470.
Bethlem myopathy 2 (BTHLM2). Identifiers: Orphanet 536516, Orphanet 610, MedGen C4225313, MONDO:0034022, OMIM 616471.

Submission:

Labcorp Genetics (formerly Invitae), Labcorp
Classification: Uncertain significance for Bethlem myopathy 2; Ullrich congenital muscular dystrophy 2. Last evaluated: 2021-08-23. Review status: criteria provided, single submitter. Criteria: Invitae Variant Classification Sherloc (09022015). Collection method: clinical testing. Allele origin: germline.
Comment: This variant is not present in population databases (ExAC no frequency). This sequence change replaces glutamine with leucine at codon 843 of the COL12A1 protein (p.Gln843Leu). The glutamine residue is moderately conserved and there is a moderate physicochemical difference between glutamine and leucine. This variant has not been reported in the literature in individuals affected with COL12A1-related conditions. Algorithms developed to predict the effect of missense changes on protein structure and function are either unavailable or do not agree on the potential impact of this missense change (SIFT: "Deleterious"; PolyPhen-2: "Benign"; Align-GVGD: "Class C0"). In summary, the available evidence is currently insufficient to determine the role of this variant in disease. Therefore, it has been classified as a Variant of Uncertain Significance.